The following is an entry in ClinVar:

NM_000478.6(ALPL):c.1216_1219del (p.Asp406fs)

Gene: ALPL (alkaline phosphatase, biomineralization associated; plus strand). Cytogenetic location: 1p36.12.
Variant type: Deletion.
Coding change: c.1216_1219del on transcript NM_000478.6 (MANE Select); coding-DNA positions 1216 to 1219, 4 bases deleted (GACA; older notation c.1216_1219delGACA).
Protein change: p.Asp406fs; shifts the reading frame from aspartic acid 406.
Molecular consequence: frameshift variant.
Genome position (GRCh38, 1-based): chr1:21,576,548-21,576,551, GACA deleted; deleting any 4 consecutive bases within chr1:21,576,545-21,576,551 gives the same sequence; the c. name uses the placement nearest the transcript's 3' end. VCF-style (leftmost placement, unchanged base first): chr1-21576544-CACAG-C. GRCh37 (hg19) VCF-style: chr1-21903037-CACAG-C.
Other names: c.1051_1054del, p.Asp351fs (NM_001127501.4); c.985_988del, p.Asp329fs (NM_001177520.3); c.1216_1219del, p.Asp406fs (NM_001369803.2, NM_001369804.2, NM_001369805.2); short protein forms D351fs, D329fs, D406fs.
Identifiers: ClinVar variation 554557 (VCV000554557.3), dbSNP rs1553414843, ClinGen allele CA658820993.
Genomic context (GRCh38, chr1:21,576,544, plus strand): 5'-GCCCCAGCATGACCCCTGAACACCCCCTCCCTGTGCAGGTCTGGCCCCCATGCTGAGTGA[CACAG>C]ACAAGAAGCCCTTCACTGCCATCCTGTATGGCAATGGGCCTGGCTACAAGGTGGTGGGCG-3'

ClinVar aggregate classification (germline): Pathogenic. Review status: criteria provided, single submitter (1 of 4 stars). 2 submissions from 2 submitters: Pathogenic (1). 1 of the submissions does not count toward it. Last evaluated 2025-08-29.

Conditions:
Infantile hypophosphatasia. Identifiers: Orphanet 247651, Orphanet 436, MedGen C0268412, MONDO:1010169, OMIM 241500, MONDO:0009427.
Hypophosphatasia. Also called: Phosphoethanol-aminuria. Identifiers: Orphanet 436, MedGen C0020630, MeSH D007014, MONDO:0018570.

Submissions (2):

Genomenon, Inc
Classification: Pathogenic for Hypophosphatasia. Last evaluated: 2025-08-29. Review status: criteria provided, single submitter. Criteria: Genomenon Sequence Variant Interpretation Standards. Collection method: curation. Allele origin: germline. Affected: yes.
Comment: ALPL p.Asp406ArgfsTer77 (c.1216_1219del) is a frameshift variant that results in the production of a truncated protein. This variant has been observed in at least one proband affected with hypophosphatasia (PMID:15694177). It is absent or not present at a significant frequency in gnomAD. In conclusion, we classify ALPL p.Asp406ArgfsTer77 (c.1216_1219del) as a pathogenic variant.

Counsyl
Classification: Likely pathogenic for Infantile hypophosphatasia. Last evaluated: 2017-10-25. Review status: no assertion criteria provided. Collection method: clinical testing. Allele origin: unknown. Not counted in ClinVar's aggregate classification.

Literature cited by the submitters: PubMed 15694177 (cited by Genomenon, Inc and Counsyl).